The following is an entry in ClinVar:

ClinVar aggregate classification (germline): Uncertain significance. Review status: criteria provided, multiple submitters, no conflicts (2 of 4 stars). 2 submissions from 2 submitters: Uncertain significance (2). Last evaluated 2024-08-26.

Conditions:
Inborn genetic diseases. Identifiers: MedGen C0950123, MeSH D030342.

Allele frequency attached by ClinVar (database versions not stated): gnomAD exomes 0.00005 and 0.00006; gnomAD 0.00005 and 0.00006; ExAC 0.00019; TOPMed 0.00005.
gnomAD v4.1: 76 of 1,571,830 alleles (0.0048%); highest among the groups gnomAD compares: Middle Eastern, 0.1%; no homozygotes.

Submissions (2):

Ambry Genetics
Classification: Uncertain significance for Inborn genetic diseases. Last evaluated: 2024-08-26. Review status: criteria provided, single submitter. Criteria: Ambry Variant Classification Scheme 2023. Collection method: clinical testing. Allele origin: germline.

Labcorp Genetics (formerly Invitae), Labcorp
Classification: Uncertain significance. Last evaluated: 2023-07-17. Review status: criteria provided, single submitter. Criteria: Invitae Variant Classification Sherloc (09022015). Collection method: clinical testing. Allele origin: germline.
Comment: This sequence change replaces arginine, which is basic and polar, with lysine, which is basic and polar, at codon 104 of the XYLT2 protein (p.Arg104Lys). This variant is present in population databases (rs759939858, gnomAD 0.1%). This variant has not been reported in the literature in individuals affected with XYLT2-related conditions. ClinVar contains an entry for this variant (Variation ID: 1417520). Advanced modeling of protein sequence and biophysical properties (such as structural, functional, and spatial information, amino acid conservation, physicochemical variation, residue mobility, and thermodynamic stability) performed at Invitae indicates that this missense variant is not expected to disrupt XYLT2 protein function. In summary, the available evidence is currently insufficient to determine the role of this variant in disease. Therefore, it has been classified as a Variant of Uncertain Significance.

NM_022167.4(XYLT2):c.311G>A (p.Arg104Lys)

Gene: XYLT2 (xylosyltransferase 2; plus strand). Cytogenetic location: 17q21.33.
Variant type: single nucleotide variant.
Coding change: c.311G>A on transcript NM_022167.4 (MANE Select); coding-DNA position 311, G replaced by A.
Protein change: p.Arg104Lys; replaces arginine 104 with lysine.
Molecular consequence: missense variant.
Genome position (GRCh38, 1-based): chr17:50,353,805, G>A. VCF-style: chr17-50353805-G-A. GRCh37 (hg19) VCF-style: chr17-48431166-G-A.
Other names: short protein forms R104K.
Identifiers: ClinVar variation 1417520 (VCV001417520.7), dbSNP rs759939858, ClinGen allele CA8646131.